The following is an entry in ClinVar:

NM_000179.3(MSH6):c.2936T>A (p.Leu979Gln)

Gene: MSH6 (mutS homolog 6; plus strand). Cytogenetic location: 2p16.3.
Variant type: single nucleotide variant.
Coding change: c.2936T>A on transcript NM_000179.3 (MANE Select); coding-DNA position 2936, T replaced by A.
Protein change: p.Leu979Gln; replaces leucine 979 with glutamine.
Molecular consequence: missense variant. On other transcripts: non-coding transcript variant (5), intron variant (2).
Genome position (GRCh38, 1-based): chr2:47,800,919, T>A. VCF-style: chr2-47800919-T-A. GRCh37 (hg19) VCF-style: chr2-48028058-T-A.
Other names: c.2030T>A, p.Leu677Gln (NM_001281494.2, NM_001281493.2, NM_001406811.1 and 6 more transcripts); c.3032T>A, p.Leu1011Gln (NM_001406795.1, NM_001406802.1); c.2936T>A, p.Leu979Gln (NM_001406796.1, NM_001406798.1, NM_001406800.1 and 2 more transcripts); c.2639T>A, p.Leu880Gln (NM_001406797.1, NM_001406801.1, NM_001406805.1 and 10 more transcripts); c.2411T>A, p.Leu804Gln (NM_001406799.1, NM_001406806.1, NM_001406807.1); c.2858T>A, p.Leu953Gln (NM_001406804.1); c.2546T>A, p.Leu849Gln (NM_001281492.2); c.2942T>A, p.Leu981Gln (NM_001406813.1); and 4 more; short protein forms L979Q, L1011Q, L981Q, L294Q, L804Q, L923Q, L677Q, L849Q.
Identifiers: ClinVar variation 3633962 (VCV003633962.2).

ClinVar aggregate classification (germline): Uncertain significance (1 of 4 stars; one submission).

Conditions:
Hereditary nonpolyposis colorectal neoplasms. Identifiers: MedGen C0009405, MeSH D003123.

Submission:

Labcorp Genetics (formerly Invitae), Labcorp
Classification: Uncertain significance for Hereditary nonpolyposis colorectal neoplasms. Last evaluated: 2024-06-25. Review status: criteria provided, single submitter. Criteria: Invitae Variant Classification Sherloc (09022015). Collection method: clinical testing. Allele origin: germline.
Comment: This sequence change replaces leucine, which is neutral and non-polar, with glutamine, which is neutral and polar, at codon 979 of the MSH6 protein (p.Leu979Gln). This variant is present in population databases (no rsID available, gnomAD 0.001%). This variant has not been reported in the literature in individuals affected with MSH6-related conditions. Advanced modeling of protein sequence and biophysical properties (such as structural, functional, and spatial information, amino acid conservation, physicochemical variation, residue mobility, and thermodynamic stability) performed at Invitae indicates that this missense variant is expected to disrupt MSH6 protein function with a positive predictive value of 80%. In summary, the available evidence is currently insufficient to determine the role of this variant in disease. Therefore, it has been classified as a Variant of Uncertain Significance.